The following is an entry in ClinVar:

ClinVar aggregate classification (germline): Uncertain significance. Review status: criteria provided, multiple submitters, no conflicts (2 of 4 stars). 2 submissions from 2 submitters: Uncertain significance (2). Last evaluated 2025-06-18.

Conditions:
PGM1-congenital disorder of glycosylation. Also called: GSD XIV; CDG It; PHOSPHOGLUCOMUTASE 1 DEFICIENCY; PGM1 DEFICIENCY; GLYCOGEN STORAGE DISEASE XIV; Congenital disorder of glycosylation type 1t. Identifiers: Orphanet 319646, MedGen C2752015, MONDO:0013968, OMIM 614921.
Inborn genetic diseases. Identifiers: MedGen C0950123, MeSH D030342.

Allele frequency attached by ClinVar (database versions not stated): gnomAD 0.00004 and 0.00005; TOPMed 0.00004; ExAC 0.00021.
gnomAD v4.1: 65 of 1,612,376 alleles (0.004%); highest among the groups gnomAD compares: Admixed American, 0.053%; no homozygotes.

Submissions (2):

Ambry Genetics
Classification: Uncertain significance for Inborn genetic diseases. Last evaluated: 2025-06-18. Review status: criteria provided, single submitter. Criteria: Ambry Variant Classification Scheme 2023. Collection method: clinical testing. Allele origin: germline.

Labcorp Genetics (formerly Invitae), Labcorp
Classification: Uncertain significance for PGM1-congenital disorder of glycosylation. Last evaluated: 2022-08-20. Review status: criteria provided, single submitter. Criteria: Invitae Variant Classification Sherloc (09022015). Collection method: clinical testing. Allele origin: germline.
Comment: This sequence change replaces isoleucine, which is neutral and non-polar, with valine, which is neutral and non-polar, at codon 350 of the PGM1 protein (p.Ile350Val). This variant is present in population databases (rs751121095, gnomAD 0.07%). This variant has not been reported in the literature in individuals affected with PGM1-related conditions. ClinVar contains an entry for this variant (Variation ID: 1407247). Algorithms developed to predict the effect of missense changes on protein structure and function (SIFT, PolyPhen-2, Align-GVGD) all suggest that this variant is likely to be tolerated. In summary, the available evidence is currently insufficient to determine the role of this variant in disease. Therefore, it has been classified as a Variant of Uncertain Significance.

NM_002633.3(PGM1):c.1048A>G (p.Ile350Val)

Gene: PGM1 (phosphoglucomutase 1; plus strand). Cytogenetic location: 1p31.3.
Variant type: single nucleotide variant.
Coding change: c.1048A>G on transcript NM_002633.3 (MANE Select); coding-DNA position 1048, A replaced by G.
Protein change: p.Ile350Val; replaces isoleucine 350 with valine.
Molecular consequence: missense variant.
Genome position (GRCh38, 1-based): chr1:63,638,704, A>G. VCF-style: chr1-63638704-A-G. GRCh37 (hg19) VCF-style: chr1-64104375-A-G.
Other names: c.1102A>G, p.Ile368Val (NM_001172818.1); c.457A>G, p.Ile153Val (NM_001172819.2); c.1048A>G (NM_002633.2); short protein forms I153V, I350V, I368V.
Identifiers: ClinVar variation 1407247 (VCV001407247.6), dbSNP rs751121095, ClinGen allele CA889709.